The following is an entry in ClinVar:

ClinVar aggregate classification (germline): Uncertain significance (1 of 4 stars; one submission).

gnomAD v4.1: 15 of 1,613,376 alleles (0.00093%); highest among the groups gnomAD compares: African/African-American, 0.017%; no homozygotes.

Submission:

GeneDx
Classification: Uncertain significance. Last evaluated: 2024-12-13. Review status: criteria provided, single submitter. Criteria: GeneDx Variant Classification Process June 2021. Collection method: clinical testing. Allele origin: germline. Affected: yes.
Comment: In silico analysis supports that this missense variant has a deleterious effect on protein structure/function; Has not been previously published as pathogenic or benign to our knowledge

NM_006793.5(PRDX3):c.652G>A (p.Ala218Thr)

Gene: PRDX3 (peroxiredoxin 3; minus strand). Cytogenetic location: 10q26.11.
Variant type: single nucleotide variant.
Coding change: c.652G>A on transcript NM_006793.5 (MANE Select); coding-DNA position 652, G replaced by A.
Protein change: p.Ala218Thr; replaces alanine 218 with threonine.
Molecular consequence: missense variant. On other transcripts: non-coding transcript variant (4), intron variant (1).
Genome position (GRCh38, 1-based): chr10:119,169,242, C>T on the plus strand (G>A on the coding strand, the complement: PRDX3 is on the minus strand). VCF-style: chr10-119169242-C-T. GRCh37 (hg19) VCF-style: chr10-120928754-C-T.
Other names: c.552-709G>A (NM_001302272.2); short protein forms A218T.
Identifiers: ClinVar variation 3903116 (VCV003903116.1).